The following is an entry in ClinVar:

ClinVar aggregate classification (germline): Pathogenic (1 of 4 stars; one submission).

Conditions:
Mandibulofacial dysostosis-microcephaly syndrome (MFDGA). Also called: Mandibulofacial dysostosis, Guion-Almeida type; Growth and mental retardation, mandibulofacial dysostosis, microcephaly, and cleft palate. Identifiers: Orphanet 79113, MedGen C1864652, MONDO:0012516, OMIM 610536.

Submission:

Laboratoire Génétique Moléculaire, CHRU TOURS
Classification: Pathogenic for Mandibulofacial dysostosis-microcephaly syndrome. Last evaluated: 2024-11-26. Review status: criteria provided, single submitter. Criteria: ACMG Guidelines, 2015. Collection method: clinical testing. Allele origin: de novo. Affected: yes.
Comment: PVS1;PS2;PM2;PP4

NM_004247.4(EFTUD2):c.2565del

Gene: EFTUD2 (elongation factor Tu GTP binding domain containing 2; minus strand). Cytogenetic location: 17q21.31.
Variant type: Deletion.
Coding change: c.2565del on transcript NM_004247.4 (MANE Select); coding-DNA position 2565, one base deleted (G; older notation c.2565delG).
Molecular consequence: splice acceptor variant.
Genome position (GRCh38, 1-based): chr17:44,852,559, C deleted on the plus strand (G on the coding strand, the reverse complement: EFTUD2 is on the minus strand); the first of 5 consecutive C bases (chr17:44,852,559-44,852,563); deleting any one gives the same sequence. VCF-style (leftmost placement, unchanged base first): chr17-44852558-GC-G. GRCh37 (hg19) VCF-style: chr17-42929926-GC-G.
Identifiers: ClinVar variation 4294390 (VCV004294390.1).